The following is an entry in ClinVar:

NM_001111067.4(ACVR1):c.271G>A (p.Val91Met)

Gene: ACVR1 (activin A receptor type 1; minus strand). Cytogenetic location: 2q24.1.
Variant type: single nucleotide variant.
Coding change: c.271G>A on transcript NM_001111067.4 (MANE Select); coding-DNA position 271, G replaced by A.
Protein change: p.Val91Met; replaces valine 91 with methionine.
Molecular consequence: missense variant.
Genome position (GRCh38, 1-based): chr2:157,780,397, C>T on the plus strand (G>A on the coding strand, the complement: ACVR1 is on the minus strand). VCF-style: chr2-157780397-C-T. GRCh37 (hg19) VCF-style: chr2-158636909-C-T.
Other names: c.271G>A, p.Val91Met (NM_001105.5, NM_001347663.1, NM_001347664.1 and 3 more transcripts); short protein forms V91M.
Identifiers: ClinVar variation 2691494 (VCV002691494.1), dbSNP rs1686460106, ClinGen allele CA349193528.

ClinVar aggregate classification (germline): Uncertain significance (1 of 4 stars; one submission).

Allele frequency attached by ClinVar (database versions not stated): gnomAD exomes below 0.00001; TOPMed below 0.00001.
gnomAD v4.1: 1 of 1,614,188 alleles (0.000062%); highest among the groups gnomAD compares: Non-Finnish European, 0.000085%; no homozygotes.

Submission:

Women's Health and Genetics/Laboratory Corporation of America, LabCorp
Classification: Uncertain significance. Last evaluated: 2023-12-01. Review status: criteria provided, single submitter. Criteria: LabCorp Variant Classification Summary - May 2015. Collection method: clinical testing. Allele origin: germline.
Comment: Variant summary: ACVR1 c.271G>A (p.Val91Met) results in a conservative amino acid change located in the Activin types I and II receptor domain (IPR000472) of the encoded protein sequence. Three of five in-silico tools predict a damaging effect of the variant on protein function. The variant was absent in 251244 control chromosomes (gnomAD). The available data on variant occurrences in the general population are insufficient to allow any conclusion about variant significance. To our knowledge, no occurrence of c.271G>A in individuals affected with Progressive Myositis Ossificans and no experimental evidence demonstrating its impact on protein function have been reported. No submitters have cited clinical-significance assessments for this variant to ClinVar after 2014. Based on the evidence outlined above, the variant was classified as uncertain significance.